The following is an entry in ClinVar:

ClinVar aggregate classification (germline): Uncertain significance (1 of 4 stars; one submission).

Conditions:
Inborn genetic diseases. Identifiers: MedGen C0950123, MeSH D030342.

Submission:

Ambry Genetics
Classification: Uncertain significance for Inborn genetic diseases. Last evaluated: 2023-06-24. Review status: criteria provided, single submitter. Criteria: Ambry Variant Classification Scheme 2023. Collection method: clinical testing. Allele origin: germline.
Comment: The p.K2399Q variant (also known as c.7195A>C), located in coding exon 49 of the LRRK2 gene, results from an A to C substitution at nucleotide position 7195. The lysine at codon 2399 is replaced by glutamine, an amino acid with similar properties. This amino acid position is conserved. In addition, this alteration is predicted to be tolerated by in silico analysis. Since supporting evidence is limited at this time, the clinical significance of this alteration remains unclear.

NM_198578.4(LRRK2):c.7195A>C (p.Lys2399Gln)

Gene: LRRK2 (leucine rich repeat kinase 2; plus strand). Cytogenetic location: 12q12.
Variant type: single nucleotide variant.
Coding change: c.7195A>C on transcript NM_198578.4 (MANE Select); coding-DNA position 7195, A replaced by C.
Protein change: p.Lys2399Gln; replaces lysine 2399 with glutamine.
Molecular consequence: missense variant.
Genome position (GRCh38, 1-based): chr12:40,364,855, A>C. VCF-style: chr12-40364855-A-C. GRCh37 (hg19) VCF-style: chr12-40758657-A-C.
Other names: short protein forms K2399Q.
Identifiers: ClinVar variation 2587237 (VCV002587237.2), dbSNP rs2500037100, ClinGen allele CA384414469.